The following is an entry in ClinVar:

NM_182977.3(NNT):c.2635-1G>T

Gene: NNT (nicotinamide nucleotide transhydrogenase; plus strand). Cytogenetic location: 5p12.
Variant type: single nucleotide variant.
Coding change: c.2635-1G>T on transcript NM_182977.3 (MANE Select); the canonical splice acceptor site of the intron before coding-DNA position 2635, G replaced by T.
Molecular consequence: splice acceptor variant.
Genome position (GRCh38, 1-based): chr5:43,675,510, G>T. VCF-style: chr5-43675510-G-T. GRCh37 (hg19) VCF-style: chr5-43675612-G-T.
Other names: c.2635-1G>T (NM_012343.4); c.2242-1G>T (NM_001331026.2).
Identifiers: ClinVar variation 1705519 (VCV001705519.1), dbSNP rs1437719035, ClinGen allele CA359670307.

ClinVar aggregate classification (germline): Pathogenic (1 of 4 stars; one submission).

Conditions:
Glucocorticoid deficiency 4. Also called: Glucocorticoid deficiency 4 with or without mineralocorticoid deficiency. Identifiers: Orphanet 361, MedGen C3553587, MONDO:0013874, OMIM 614736.

Submission:

3billion
Classification: Pathogenic for Glucocorticoid deficiency 4. Last evaluated: 2022-09-01. Review status: criteria provided, single submitter. Criteria: ACMG Guidelines, 2015. Collection method: clinical testing. Allele origin: germline. Affected: yes. Observed: 1 homozygote.
Comment: The variant is not observed in the gnomAD v2.1.1 dataset. Canonical splice site is predicted to alter splicing and result in a loss or disruption of normal protein function. Multiple pathogenic loss-of-function variants are reported downstream of the variant. Therefore, this variant is classified as Pathogenic according to the recommendation of ACMG/AMP guideline.